The following is an entry in ClinVar:

NM_198576.4(AGRN):c.362C>A (p.Pro121His)

Genes: AGRN (agrin; plus strand), LOC126805576 (P300/CBP strongly-dependent group 1 enhancer GRCh37_chr1:956772-957971; plus strand). Cytogenetic location: 1p36.33.
Variant type: single nucleotide variant.
Coding change: c.362C>A on transcript NM_198576.4 (MANE Select); coding-DNA position 362, C replaced by A.
Protein change: p.Pro121His; replaces proline 121 with histidine.
Molecular consequence: missense variant.
Genome position (GRCh38, 1-based): chr1:1,022,361, C>A. VCF-style: chr1-1022361-C-A. GRCh37 (hg19) VCF-style: chr1-957741-C-A.
Other names: c.362C>A, p.Pro121His (NM_001305275.2); short protein forms P121H.
Identifiers: ClinVar variation 541155 (VCV000541155.8), dbSNP rs533320704, ClinGen allele CA507807.

ClinVar aggregate classification (germline): Uncertain significance. Review status: criteria provided, multiple submitters, no conflicts (2 of 4 stars). 2 submissions from 2 submitters: Uncertain significance (2). Last evaluated 2024-12-24.

Conditions:
Congenital myasthenic syndrome 8. Also called: Myasthenic syndrome, congenital, 8, with pre- and postsynaptic defects; MYASTHENIC SYNDROME, CONGENITAL, DUE TO AGRIN DEFICIENCY. Identifiers: Orphanet 590, MedGen C3808739, MONDO:0014052, OMIM 615120.
Inborn genetic diseases. Identifiers: MedGen C0950123, MeSH D030342.

Allele frequency attached by ClinVar (database versions not stated): gnomAD below 0.00001 and 0.00002; TOPMed below 0.00001; gnomAD exomes 0.00004 and 0.00011; ExAC 0.00015.
gnomAD v4.1: 67 of 1,613,240 alleles (0.0042%); highest among the groups gnomAD compares: South Asian, 0.067%; 2 homozygotes.

Submissions (2):

Ambry Genetics
Classification: Uncertain significance for Inborn genetic diseases. Last evaluated: 2024-12-24. Review status: criteria provided, single submitter. Criteria: Ambry Variant Classification Scheme 2023. Collection method: clinical testing. Allele origin: germline.

Labcorp Genetics (formerly Invitae), Labcorp
Classification: Uncertain significance for Congenital myasthenic syndrome 8. Last evaluated: 2022-06-18. Review status: criteria provided, single submitter. Criteria: Invitae Variant Classification Sherloc (09022015). Collection method: clinical testing. Allele origin: germline.
Comment: This variant has not been reported in the literature in individuals affected with AGRN-related conditions. In summary, the available evidence is currently insufficient to determine the role of this variant in disease. Therefore, it has been classified as a Variant of Uncertain Significance. Algorithms developed to predict the effect of missense changes on protein structure and function are either unavailable or do not agree on the potential impact of this missense change (SIFT: "Deleterious"; PolyPhen-2: "Probably Damaging"; Align-GVGD: "Class C0"). ClinVar contains an entry for this variant (Variation ID: 541155). This variant is present in population databases (rs533320704, gnomAD 0.09%). This sequence change replaces proline, which is neutral and non-polar, with histidine, which is basic and polar, at codon 121 of the AGRN protein (p.Pro121His).